The following is an entry in ClinVar:

ClinVar aggregate classification (germline): Uncertain significance. Review status: criteria provided, multiple submitters, no conflicts (2 of 4 stars). 7 submissions from 7 submitters: Uncertain significance (7). Last evaluated 2026-01-13.

Conditions:
Hereditary cancer-predisposing syndrome. Also called: Neoplastic Syndromes, Hereditary; Hereditary Cancer Syndrome; Tumor predisposition; Hereditary neoplastic syndrome. Identifiers: Orphanet 140162, MedGen C0027672, MeSH D009386, MONDO:0015356.
Familial cancer of breast. Also called: Hereditary breast cancer; hereditary breast carcinoma; BREAST CANCER, FAMILIAL. Identifiers: Orphanet 227535, MedGen C0346153, MONDO:0016419, OMIM 114480. Disease mechanism: loss of function.
Ataxia-telangiectasia syndrome (AT). Also called: Cerebello-oculocutaneous telangiectasia; Immunodeficiency with ataxia telangiectasia; Ataxia-telangiectasia, complementation group D; AT, COMPLEMENTATION GROUP C; Ataxia-telangiectasia, complementation group E; Ataxia-telangiectasia. Identifiers: Orphanet 100, MedGen C0004135, MONDO:0008840, OMIM 208900.

Allele frequency attached by ClinVar (database versions not stated): gnomAD exomes below 0.00001.
gnomAD v4.1: 2 of 1,613,962 alleles (0.00012%); highest among the groups gnomAD compares: Non-Finnish European, 0.00017%; no homozygotes.

Submissions (7):

Labcorp Genetics (formerly Invitae), Labcorp
Classification: Uncertain significance for Ataxia-telangiectasia syndrome. Last evaluated: 2026-01-13. Review status: criteria provided, single submitter. Criteria: Invitae Variant Classification Sherloc (09022015). Collection method: clinical testing. Allele origin: germline.
Comment: This sequence change replaces phenylalanine, which is neutral and non-polar, with valine, which is neutral and non-polar, at codon 1837 of the ATM protein (p.Phe1837Val). This variant is not present in population databases (gnomAD no frequency). This variant has not been reported in the literature in individuals affected with ATM-related conditions. ClinVar contains an entry for this variant (Variation ID: 233538). Invitae Evidence Modeling of protein sequence and biophysical properties (such as structural, functional, and spatial information, amino acid conservation, physicochemical variation, residue mobility, and thermodynamic stability) indicates that this missense variant is not expected to disrupt ATM protein function with a negative predictive value of 95%. In summary, the available evidence is currently insufficient to determine the role of this variant in disease. Therefore, it has been classified as a Variant of Uncertain Significance.

Ambry Genetics
Classification: Uncertain significance for Hereditary cancer-predisposing syndrome. Last evaluated: 2025-12-04. Review status: criteria provided, single submitter. Criteria: Ambry Variant Classification Scheme 2023. Collection method: clinical testing. Allele origin: germline.
Comment: The p.F1837V variant (also known as c.5509T>G), located in coding exon 36 of the ATM gene, results from a T to G substitution at nucleotide position 5509. The phenylalanine at codon 1837 is replaced by valine, an amino acid with highly similar properties. In an assay testing ATM function, this variant showed a functionally normal result (Lee KS et al. Cell, 2025 Sep;188:5081-5099.e27). This amino acid position is well conserved in available vertebrate species. In addition, the in silico prediction for this alteration is inconclusive. Based on the available evidence, the clinical significance of this variant remains unclear.

GeneDx
Classification: Uncertain significance. Last evaluated: 2025-08-25. Review status: criteria provided, single submitter. Criteria: GeneDx Variant Classification Process June 2021. Collection method: clinical testing. Allele origin: germline. Affected: yes.
Comment: Not observed at significant frequency in large population cohorts (gnomAD); In silico analysis supports that this missense variant has a deleterious effect on protein structure/function; Has not been previously published as pathogenic or benign to our knowledge

Color Diagnostics, LLC DBA Color Health
Classification: Uncertain significance for Hereditary cancer-predisposing syndrome. Last evaluated: 2024-09-30. Review status: criteria provided, single submitter. Criteria: ACMG Guidelines, 2015. Collection method: clinical testing. Allele origin: germline.
Comment: This missense variant replaces phenylalanine with valine at codon 1837 of the ATM protein. Computational prediction suggests that this variant may not impact protein structure and function. To our knowledge, functional studies have not been reported for this variant. This variant has not been reported in individuals affected with ATM-related disorders in the literature. This variant has not been identified in the general population by the Genome Aggregation Database (gnomAD). The available evidence is insufficient to determine the role of this variant in disease conclusively. Therefore, this variant is classified as a Variant of Uncertain Significance.

Baylor Genetics
Classification: Uncertain significance for Familial cancer of breast. Last evaluated: 2024-03-17. Review status: criteria provided, single submitter. Criteria: ACMG Guidelines, 2015. Collection method: clinical testing. Allele origin: unknown.

Sema4
Classification: Uncertain significance for Hereditary cancer-predisposing syndrome. Last evaluated: 2022-03-14. Review status: criteria provided, single submitter. Criteria: Sema4 Curation Guidelines. Collection method: curation. Allele origin: germline.
Comment: The ATM c.5509T>G (p.F1837V) variant has not been reported in the literature to our knowledge. This variant is not reported in the population database Genome Aggregation Database (PMID: 32461654). The variant has been reported in ClinVar (Variation ID: 233538). Functional studies have not been performed, and in silico predictions of the variant's effect on protein function are inconclusive. The evidence is insufficient to meet ACMG/AMP criteria for classifying the variant as benign or pathogenic. Thus, the clinical significance of this variant is currently uncertain.

CeGaT Center for Human Genetics Tuebingen
Classification: Uncertain significance. Last evaluated: 2016-12-01. Review status: criteria provided, single submitter. Criteria: CeGaT Center For Human Genetics Tuebingen Variant Classification Criteria Version 2. Collection method: clinical testing. Allele origin: germline. Affected: yes. Observed: 1 variant allele.

Literature cited by the submitters: PubMed 40580951 (cited by Ambry Genetics).

NM_000051.4(ATM):c.5509T>G (p.Phe1837Val)

Gene: ATM (ATM serine/threonine kinase; plus strand). Cytogenetic location: 11q22.3.
Variant type: single nucleotide variant.
Coding change: c.5509T>G on transcript NM_000051.4 (MANE Select); coding-DNA position 5509, T replaced by G.
Protein change: p.Phe1837Val; replaces phenylalanine 1837 with valine.
Molecular consequence: missense variant.
Genome position (GRCh38, 1-based): chr11:108,304,687, T>G. VCF-style: chr11-108304687-T-G. GRCh37 (hg19) VCF-style: chr11-108175414-T-G.
Other names: c.5509T>G, p.Phe1837Val (NM_001351834.2); short protein forms F1837V.
Identifiers: ClinVar variation 233538 (VCV000233538.64), dbSNP rs876660472, ClinGen allele CA10579183.